The following is an entry in ClinVar:

ClinVar aggregate classification (germline): Likely pathogenic. Review status: criteria provided, multiple submitters, no conflicts (2 of 4 stars). 2 submissions from 2 submitters: Likely pathogenic (2). Last evaluated 2023-06-15.

Conditions:
Cardiovascular phenotype. Identifiers: MedGen CN230736.
Charcot-Marie-Tooth disease type 2. Also called: Charcot-Marie-Tooth type 2. Identifiers: Orphanet 64746, MedGen C0270914, MONDO:0018993.

Submissions (2):

Labcorp Genetics (formerly Invitae), Labcorp
Classification: Likely pathogenic for Charcot-Marie-Tooth disease type 2. Last evaluated: 2023-06-15. Review status: criteria provided, single submitter. Criteria: Invitae Variant Classification Sherloc (09022015). Collection method: clinical testing. Allele origin: germline.
Comment: This sequence change affects a donor splice site in intron 3 of the LMNA gene. It is expected to disrupt RNA splicing. Variants that disrupt the donor or acceptor splice site typically lead to a loss of protein function (PMID: 16199547), and loss-of-function variants in LMNA are known to be pathogenic (PMID: 18585512, 18926329). This variant is not present in population databases (gnomAD no frequency). This variant has not been reported in the literature in individuals affected with LMNA-related conditions. ClinVar contains an entry for this variant (Variation ID: 859400). Algorithms developed to predict the effect of sequence changes on RNA splicing suggest that this variant may disrupt the consensus splice site. In summary, the currently available evidence indicates that the variant is pathogenic, but additional data are needed to prove that conclusively. Therefore, this variant has been classified as Likely Pathogenic.

Ambry Genetics
Classification: Likely pathogenic for Cardiovascular phenotype. Last evaluated: 2021-07-23. Review status: criteria provided, single submitter. Criteria: Ambry Variant Classification Scheme 2023. Collection method: clinical testing. Allele origin: germline.
Comment: The c.639+1G>T intronic variant results from a G to T substitution one nucleotide after coding exon 3 of the LMNA gene. Alterations that disrupt the canonical splice site are expected to cause aberrant splicing. In silico splice site analysis predicts that this alteration will weaken the native splice donor site and will result in the creation or strengthening of a novel splice donor site. The resulting transcript is predicted to be in-frame and is not expected to trigger nonsense-mediated mRNAdecay; however, direct evidence is unavailable. The exact functional effect of the altered amino acid sequence is unknown; however, the impacted region is critical for protein function (Ambry internal data). This nucleotide position is highly conserved in available vertebrate species. Based on the majority of available evidence to date, this variant is likely to be pathogenic.

Literature cited by the submitters: PubMed 16199547 (cited by Labcorp Genetics (formerly Invitae), Labcorp); PubMed 18585512 (cited by Labcorp Genetics (formerly Invitae), Labcorp); PubMed 18926329 (cited by Labcorp Genetics (formerly Invitae), Labcorp).

NM_170707.4(LMNA):c.639+1G>T

Gene: LMNA (lamin A/C; plus strand). Cytogenetic location: 1q22.
Variant type: single nucleotide variant.
Coding change: c.639+1G>T on transcript NM_170707.4 (MANE Select); the canonical splice donor site of the intron after coding-DNA position 639, G replaced by T.
Molecular consequence: splice donor variant.
Genome position (GRCh38, 1-based): chr1:156,134,529, G>T. VCF-style: chr1-156134529-G-T. GRCh37 (hg19) VCF-style: chr1-156104320-G-T.
Other names: c.-26+1G>T (NM_001406999.1, NM_001407000.1, NM_001406994.1 and 1 more transcripts); c.396+1G>T (NM_001406986.1, NM_001406987.1, NM_001282624.2); c.639+1G>T (NM_001406985.1, NM_001282626.2, NM_170708.4 and 6 more transcripts); c.81+1G>T (NM_001406995.1, NM_001406990.1, NM_001406996.1 and 4 more transcripts); c.303+1G>T (NM_001406989.1, NM_001257374.3, NM_001406998.1); c.342+1G>T (NM_001406988.1).
Identifiers: ClinVar variation 859400 (VCV000859400.11), dbSNP rs869125101, ClinGen allele CA342817104.